The following is an entry in ClinVar:

NM_005235.3(ERBB4):c.2379G>T (p.Gln793His)

Gene: ERBB4 (erb-b2 receptor tyrosine kinase 4; minus strand). Cytogenetic location: 2q34.
Variant type: single nucleotide variant.
Coding change: c.2379G>T on transcript NM_005235.3 (MANE Select); coding-DNA position 2379, G replaced by T.
Protein change: p.Gln793His; replaces glutamine 793 with histidine.
Molecular consequence: missense variant.
Genome position (GRCh38, 1-based): chr2:211,562,011, C>A on the plus strand (G>T on the coding strand, the complement: ERBB4 is on the minus strand). VCF-style: chr2-211562011-C-A. GRCh37 (hg19) VCF-style: chr2-212426736-C-A.
Other names: c.2379G>T, p.Gln793His (NM_001042599.2); short protein forms Q793H.
Identifiers: ClinVar variation 1957155 (VCV001957155.5), dbSNP rs142841164, ClinGen allele CA2087766.

ClinVar aggregate classification (germline): Uncertain significance (1 of 4 stars; one submission).

gnomAD v4.1: 20 of 1,614,020 alleles (0.0012%); highest among the groups gnomAD compares: Admixed American, 0.0033%; no homozygotes.

Submission:

Labcorp Genetics (formerly Invitae), Labcorp
Classification: Uncertain significance. Last evaluated: 2022-01-22. Review status: criteria provided, single submitter. Criteria: Invitae Variant Classification Sherloc (09022015). Collection method: clinical testing. Allele origin: germline.
Comment: This sequence change replaces glutamine, which is neutral and polar, with histidine, which is basic and polar, at codon 793 of the ERBB4 protein (p.Gln793His). This variant is present in population databases (rs142841164, gnomAD 0.003%). This variant has not been reported in the literature in individuals affected with ERBB4-related conditions. Algorithms developed to predict the effect of missense changes on protein structure and function are either unavailable or do not agree on the potential impact of this missense change (SIFT: "Deleterious"; PolyPhen-2: "Probably Damaging"; Align-GVGD: "Class C15"). In summary, the available evidence is currently insufficient to determine the role of this variant in disease. Therefore, it has been classified as a Variant of Uncertain Significance.